The following is an entry in ClinVar:

ClinVar aggregate classification (germline): Likely benign (1 of 4 stars; one submission).

Submission:

CeGaT Center for Human Genetics Tuebingen
Classification: Likely benign. Last evaluated: 2026-10-01. Review status: criteria provided, single submitter. Criteria: CeGaT Center For Human Genetics Tuebingen Variant Classification Criteria Version 2. Collection method: clinical testing. Allele origin: germline. Affected: yes. Observed: 1 variant allele.
Comment: RYR2: PM2:Supporting, BP4, BP7

NM_001035.3(RYR2):c.13584T>G (p.Val4528=)

Gene: RYR2 (ryanodine receptor 2; plus strand). Cytogenetic location: 1q43.
Variant type: single nucleotide variant.
Coding change: c.13584T>G on transcript NM_001035.3 (MANE Select); coding-DNA position 13584, T replaced by G.
Protein change: p.Val4528=; no amino-acid change (valine 4528 retained).
Molecular consequence: synonymous variant.
Genome position (GRCh38, 1-based): chr1:237,792,125, T>G. VCF-style: chr1-237792125-T-G. GRCh37 (hg19) VCF-style: chr1-237955425-T-G.
Identifiers: ClinVar variation 5041831 (VCV005041831.1).